The following is an entry in ClinVar:

NM_001146079.2(CLDN14):c.548_588dup (p.Pro197fs)

Genes: CLDN14 (claudin 14; minus strand), CLDN14-AS1 (CLDN14 antisense RNA 1; plus strand). Cytogenetic location: 21q22.13.
Variant type: Duplication.
Coding change: c.548_588dup on transcript NM_001146079.2 (MANE Select); coding-DNA positions 548 to 588, 41 bases duplicated.
Protein change: p.Pro197fs; shifts the reading frame from proline 197.
Molecular consequence: frameshift variant.
Genome position (GRCh38, 1-based): chr21:36,461,108-36,461,148, 41 bases duplicated; duplicating any 41 consecutive bases within chr21:36,461,108-36,461,151 gives the same sequence; the c. name uses the placement nearest the transcript's 3' end. GRCh37 (hg19): chr21:37,833,409-37,833,449.
Other names: c.548_588dup, p.Pro197fs (NM_001146078.3, NM_012130.4, NM_144492.3 and 1 more transcripts); short protein forms P197fs.
Identifiers: ClinVar variation 2074442 (VCV002074442.4), dbSNP rs1265168989, ClinGen allele CA638055504.

ClinVar aggregate classification (germline): Pathogenic (1 of 4 stars; one submission).

Submission:

Labcorp Genetics (formerly Invitae), Labcorp
Classification: Pathogenic. Last evaluated: 2024-04-17. Review status: criteria provided, single submitter. Criteria: Invitae Variant Classification Sherloc (09022015). Collection method: clinical testing. Allele origin: germline.
Comment: This sequence change creates a premature translational stop signal (p.Pro197Cysfs*43) in the CLDN14 gene. While this is not anticipated to result in nonsense mediated decay, it is expected to disrupt the last 43 amino acid(s) of the CLDN14 protein. This variant is present in population databases (no rsID available, gnomAD 0.0009%). This variant has not been reported in the literature in individuals affected with CLDN14-related conditions. ClinVar contains an entry for this variant (Variation ID: 2074442). Experimental studies and prediction algorithms are not available or were not evaluated, and the functional significance of this variant is currently unknown. This variant disrupts a region of the CLDN14 protein in which other variant(s) (p.Gly232Arg) have been determined to be pathogenic (PMID: 22246673, 31541171). This suggests that this is a clinically significant region of the protein, and that variants that disrupt it are likely to be disease-causing. For these reasons, this variant has been classified as Pathogenic.

Literature cited by the submitters: PubMed 22246673; PubMed 31541171.